The following is an entry in ClinVar:

NM_000368.5(TSC1):c.*1934A>G

Gene: TSC1 (TSC complex subunit 1; minus strand). Cytogenetic location: 9q34.13.
Variant type: single nucleotide variant.
Coding change: c.*1934A>G on transcript NM_000368.5 (MANE Select); 1934 bases downstream of the stop codon, A replaced by G.
Molecular consequence: 3 prime UTR variant.
Genome position (GRCh38, 1-based): chr9:132,894,301, T>C on the plus strand (A>G on the coding strand, the complement: TSC1 is on the minus strand). VCF-style: chr9-132894301-T-C. GRCh37 (hg19) VCF-style: chr9-135769688-T-C.
Other names: c.*1934A>G (NM_001162426.2, NM_001162427.2, NM_001362177.2).
Identifiers: ClinVar variation 365466 (VCV000365466.6), dbSNP rs10491534, ClinGen allele CA10632980.

ClinVar aggregate classification (germline): Benign. Review status: criteria provided, multiple submitters, no conflicts (2 of 4 stars). 3 submissions from 2 submitters: Benign (3). Last evaluated 2018-01-12.

Conditions:
Isolated focal cortical dysplasia type II (FCORD2). Also called: CORTICAL DYSPLASIA OF TAYLOR; Focal cortical dysplasia type II. Identifiers: Orphanet 268994, MedGen C1846385, MONDO:0011818, OMIM 607341, HP:0032051.
Tuberous sclerosis 1 (TSC1). Identifiers: Orphanet 805, MedGen C1854465, MONDO:0008612, OMIM 191100.

Allele frequency attached by ClinVar (database versions not stated): TOPMed 0.14112; gnomAD 0.14325 and 0.13923; gnomAD exomes 0.09907; 1000 Genomes Project 0.12620; 1000 Genomes Project 30x 0.13289.
gnomAD v4.1: 28,987 of 231,140 alleles (13%); highest among the groups gnomAD compares: African/African-American, 24%; 2,186 homozygotes.

Submissions (3):

Illumina Laboratory Services, Illumina
Classification: Benign for Tuberous sclerosis 1. Last evaluated: 2018-01-12. Review status: criteria provided, single submitter. Criteria: ICSL Variant Classification Criteria 13 December 2019. Collection method: clinical testing. Allele origin: germline.
Comment: This variant was observed in the ICSL laboratory as part of a predisposition screen in an ostensibly healthy population. It had not been previously curated by ICSL or reported in the Human Gene Mutation Database (HGMD: prior to June 1st, 2018), and was therefore a candidate for classification through an automated scoring system. Utilizing variant allele frequency, disease prevalence and penetrance estimates, and inheritance mode, an automated score was calculated to assess if this variant is too frequent to cause the disease. Based on the score and internal cut-off values, a variant classified as benign is not then subjected to further curation. The score for this variant resulted in a classification of benign for this disease.

Illumina Laboratory Services, Illumina
Classification: Benign for Isolated focal cortical dysplasia type II. Last evaluated: 2018-01-12. Review status: criteria provided, single submitter. Criteria: ICSL Variant Classification Criteria 13 December 2019. Collection method: clinical testing. Allele origin: germline.
Comment: the same text as in the submission from Illumina Laboratory Services, Illumina above.

Breakthrough Genomics
Classification: Benign. Review status: criteria provided, single submitter. Criteria: ACMG Guidelines, 2015. Collection method: not provided. Allele origin: germline. Inheritance: Autosomal dominant inheritance. Affected: yes.